The following is an entry in ClinVar:

ClinVar aggregate classification (germline): Likely benign (1 of 4 stars; one submission).

gnomAD v4.1: 3 of 1,550,468 alleles (0.00019%); no homozygotes.

Submission:

Mayo Clinic Laboratories, Mayo Clinic
Classification: Likely benign. Last evaluated: 2025-08-05. Review status: criteria provided, single submitter. Criteria: ACMG Guidelines, 2015. Collection method: clinical testing. Allele origin: germline. Observed: 1 variant allele.
Comment: BP4, BP7

NM_001367624.2(ZNF469):c.8217T>C (p.Ala2739=)

Gene: ZNF469 (zinc finger protein 469; plus strand). Cytogenetic location: 16q24.2.
Variant type: single nucleotide variant.
Coding change: c.8217T>C on transcript NM_001367624.2 (MANE Select); coding-DNA position 8217, T replaced by C.
Protein change: p.Ala2739=; no amino-acid change (alanine 2739 retained).
Molecular consequence: synonymous variant.
Genome position (GRCh38, 1-based): chr16:88,435,687, T>C. VCF-style: chr16-88435687-T-C. GRCh37 (hg19) VCF-style: chr16-88502095-T-C.
Other names: p.Ala2739=.
Identifiers: ClinVar variation 4684123 (VCV004684123.1).